The following is an entry in ClinVar:

ClinVar aggregate classification (germline): Uncertain significance. Review status: criteria provided, multiple submitters, no conflicts (2 of 4 stars). 2 submissions from 2 submitters: Uncertain significance (2). Last evaluated 2025-06-27.

Conditions:
Autosomal dominant epilepsy with auditory features. Identifiers: Orphanet 101046, MedGen C1838062, MONDO:0010898.

Submissions (2):

Labcorp Genetics (formerly Invitae), Labcorp
Classification: Uncertain significance for Autosomal dominant epilepsy with auditory features. Last evaluated: 2025-06-27. Review status: criteria provided, single submitter. Criteria: Invitae Variant Classification Sherloc (09022015). Collection method: clinical testing. Allele origin: germline.
Comment: This sequence change replaces glutamic acid, which is acidic and polar, with aspartic acid, which is acidic and polar, at codon 4 of the LGI1 protein (p.Glu4Asp). This variant is not present in population databases (gnomAD no frequency). This variant has not been reported in the literature in individuals affected with LGI1-related conditions. ClinVar contains an entry for this variant (Variation ID: 3390563). An algorithm developed to predict the effect of missense changes on protein structure and function (PolyPhen-2) suggests that this variant is likely to be tolerated. In summary, the available evidence is currently insufficient to determine the role of this variant in disease. Therefore, it has been classified as a Variant of Uncertain Significance.

GeneDx
Classification: Uncertain significance. Last evaluated: 2024-06-11. Review status: criteria provided, single submitter. Criteria: GeneDx Variant Classification Process June 2021. Collection method: clinical testing. Allele origin: germline. Affected: yes.
Comment: Not observed at significant frequency in large population cohorts (gnomAD); In silico analysis indicates that this missense variant does not alter protein structure/function; Has not been previously published as pathogenic or benign to our knowledge

NM_005097.4(LGI1):c.12A>C (p.Glu4Asp)

Gene: LGI1 (leucine rich glioma inactivated 1; plus strand). Cytogenetic location: 10q23.33.
Variant type: single nucleotide variant.
Coding change: c.12A>C on transcript NM_005097.4 (MANE Select); coding-DNA position 12, A replaced by C.
Protein change: p.Glu4Asp; replaces glutamic acid 4 with aspartic acid.
Molecular consequence: missense variant. On other transcripts: non-coding transcript variant (1).
Genome position (GRCh38, 1-based): chr10:93,758,156, A>C. VCF-style: chr10-93758156-A-C. GRCh37 (hg19) VCF-style: chr10-95517913-A-C.
Other names: c.12A>C, p.Glu4Asp (NM_001308275.2, NM_001308276.2); short protein forms E4D.
Identifiers: ClinVar variation 3390563 (VCV003390563.2).